The following is an entry in ClinVar:

ClinVar aggregate classification (germline): Uncertain significance. Review status: criteria provided, multiple submitters, no conflicts (2 of 4 stars). 3 submissions from 3 submitters: Uncertain significance (3). Last evaluated 2024-02-07.

Conditions:
Nephrolithiasis/nephrocalcinosis. Identifiers: MedGen CN580796.
Autosomal dominant hypocalcemia 1 (HYPOC1). Also called: HYPOCALCEMIA, FAMILIAL. Identifiers: MedGen C3715128, MONDO:0011013, OMIM 601198.
Familial hypocalciuric hypercalcemia (FHH). Also called: Familial benign hypercalcemia. Identifiers: Orphanet 405, MedGen C1809471, MONDO:0018458.
Neonatal severe primary hyperparathyroidism. Identifiers: Orphanet 417, MedGen C1832615, MONDO:0009397, OMIM 239200.
Familial hypocalciuric hypercalcemia 1. Also called: Hypercalcemia, familial benign type 1. Identifiers: Orphanet 405, Orphanet 93372, MedGen C0342637, MONDO:0007791, OMIM 145980.
Epilepsy, idiopathic generalized, susceptibility to, 8. Identifiers: MedGen C2752062, MONDO:0013032, OMIM 612899.

Allele frequency attached by ClinVar (database versions not stated): gnomAD exomes below 0.00001 and 0.00002; gnomAD 0.00001; ExAC 0.00002.
gnomAD v4.1: 6 of 1,614,212 alleles (0.00037%); highest among the groups gnomAD compares: East Asian, 0.011%; no homozygotes.

Submissions (3):

Fulgent Genetics
Classification: Uncertain significance for Familial hypocalciuric hypercalcemia 1; Neonatal severe primary hyperparathyroidism; Autosomal dominant hypocalcemia 1; Epilepsy, idiopathic generalized, susceptibility to, 8. Last evaluated: 2024-02-07. Review status: criteria provided, single submitter. Criteria: ACMG Guidelines, 2015. Collection method: clinical testing. Allele origin: germline.

Ambry Genetics
Classification: Uncertain significance for Nephrolithiasis/nephrocalcinosis. Last evaluated: 2021-12-20. Review status: criteria provided, single submitter. Criteria: Ambry Variant Classification Scheme 2023. Collection method: clinical testing. Allele origin: germline.
Comment: The p.R375K variant (also known as c.1124G>A), located in coding exon 3 of the CASR gene, results from a G to A substitution at nucleotide position 1124. The arginine at codon 375 is replaced by lysine, an amino acid with highly similar properties. This amino acid position is conserved. In addition, this alteration is predicted to be tolerated by in silico analysis. Since supporting evidence is limited at this time, the clinical significance of this alteration remains unclear.

Labcorp Genetics (formerly Invitae), Labcorp
Classification: Uncertain significance for Familial hypocalciuric hypercalcemia; Autosomal dominant hypocalcemia 1. Last evaluated: 2020-12-17. Review status: criteria provided, single submitter. Criteria: Invitae Variant Classification Sherloc (09022015). Collection method: clinical testing. Allele origin: germline.
Comment: This sequence change replaces arginine with lysine at codon 375 of the CASR protein (p.Arg375Lys). The arginine residue is highly conserved and there is a small physicochemical difference between arginine and lysine. This variant is present in population databases (rs760190284, ExAC 0.03%). This variant has not been reported in the literature in individuals with CASR-related disease. Algorithms developed to predict the effect of missense changes on protein structure and function output the following: SIFT: "Tolerated"; PolyPhen-2: "Benign"; Align-GVGD: "Class C0". The lysine amino acid residue is found in multiple mammalian species, suggesting that this missense change does not adversely affect protein function. These predictions have not been confirmed by published functional studies and their clinical significance is uncertain. In summary, the available evidence is currently insufficient to determine the role of this variant in disease. Therefore, it has been classified as a Variant of Uncertain Significance.

NM_000388.4(CASR):c.1124G>A (p.Arg375Lys)

Gene: CASR (calcium sensing receptor; plus strand). Cytogenetic location: 3q21.1.
Variant type: single nucleotide variant.
Coding change: c.1124G>A on transcript NM_000388.4 (MANE Select); coding-DNA position 1124, G replaced by A.
Protein change: p.Arg375Lys; replaces arginine 375 with lysine.
Molecular consequence: missense variant.
Genome position (GRCh38, 1-based): chr3:122,262,159, G>A. VCF-style: chr3-122262159-G-A. GRCh37 (hg19) VCF-style: chr3-121981006-G-A.
Other names: c.1124G>A, p.Arg375Lys (NM_001178065.2); short protein forms R375K.
Identifiers: ClinVar variation 532617 (VCV000532617.13), dbSNP rs760190284, ClinGen allele CA2569599.